The following is an entry in ClinVar:

ClinVar aggregate classification (germline): Likely benign. Review status: criteria provided, multiple submitters, no conflicts (2 of 4 stars). 4 submissions from 4 submitters: Likely benign (4). Last evaluated 2026-01-26.

Conditions:
Early-infantile DEE. Also called: Ohtahara syndrome; Early infantile epileptic encephalopathy with suppression bursts; Early infantile epileptic encephalopathy. Identifiers: Orphanet 1934, MedGen C0393706, MONDO:0800491.

Allele frequency attached by ClinVar (database versions not stated): gnomAD exomes 0.00006; ExAC 0.00007; gnomAD 0.00015; TOPMed 0.00015.
gnomAD v4.1: 120 of 1,613,394 alleles (0.0074%); highest among the groups gnomAD compares: Middle Eastern, 0.099%; 1 homozygote.

Submissions (4):

Labcorp Genetics (formerly Invitae), Labcorp
Classification: Likely benign for Early-infantile DEE. Last evaluated: 2026-01-26. Review status: criteria provided, single submitter. Criteria: Invitae Variant Classification Sherloc (09022015). Collection method: clinical testing. Allele origin: germline.

CeGaT Center for Human Genetics Tuebingen
Classification: Likely benign. Last evaluated: 2025-12-01. Review status: criteria provided, single submitter. Criteria: CeGaT Center For Human Genetics Tuebingen Variant Classification Criteria Version 2. Collection method: clinical testing. Allele origin: germline. Affected: yes. Observed: 3 variant alleles.
Comment: KCNQ2: BP4, BP7

Blueprint Genetics
Classification: Likely benign. Last evaluated: 2024-09-02. Review status: criteria provided, single submitter. Criteria: ACMG Guidelines, 2015. Collection method: clinical testing. Allele origin: germline.

GeneDx
Classification: Likely benign. Last evaluated: 2021-10-09. Review status: criteria provided, single submitter. Criteria: GeneDx Variant Classification Process June 2021. Collection method: clinical testing. Allele origin: germline. Affected: yes.

NM_172107.4(KCNQ2):c.1698C>T (p.Asp566=)

Gene: KCNQ2 (potassium voltage-gated channel subfamily Q member 2; minus strand). Cytogenetic location: 20q13.33.
Variant type: single nucleotide variant.
Coding change: c.1698C>T on transcript NM_172107.4 (MANE Select); coding-DNA position 1698, C replaced by T.
Protein change: p.Asp566=; no amino-acid change (aspartic acid 566 retained).
Molecular consequence: synonymous variant.
Genome position (GRCh38, 1-based): chr20:63,413,515, G>A on the plus strand (C>T on the coding strand, the complement: KCNQ2 is on the minus strand). VCF-style: chr20-63413515-G-A. GRCh37 (hg19) VCF-style: chr20-62044868-G-A.
Other names: c.1614C>T, p.Asp538= (NM_004518.6); c.1644C>T, p.Asp548= (NM_172106.3); c.1605C>T, p.Asp535= (NM_172108.5).
Identifiers: ClinVar variation 379462 (VCV000379462.29), dbSNP rs768228902, ClinGen allele CA9958326.